The following is an entry in ClinVar:

ClinVar aggregate classification (germline): Uncertain significance (1 of 4 stars; one submission).

Conditions:
Charcot-Marie-Tooth disease axonal type 2O. Also called: CHARCOT-MARIE-TOOTH NEUROPATHY, AXONAL, TYPE 2O; CHARCOT-MARIE-TOOTH DISEASE, AXONAL, AUTOSOMAL DOMINANT, TYPE 2O; Charcot-Marie-Tooth Neuropathy Type 2O; Charcot-Marie-Tooth disease, axonal, type 20. Identifiers: Orphanet 284232, MedGen C3280220, MONDO:0013644, OMIM 614228.

Submission:

Labcorp Genetics (formerly Invitae), Labcorp
Classification: Uncertain significance for Charcot-Marie-Tooth disease axonal type 2O. Last evaluated: 2022-11-19. Review status: criteria provided, single submitter. Criteria: Invitae Variant Classification Sherloc (09022015). Collection method: clinical testing. Allele origin: germline.
Comment: This variant is not present in population databases (gnomAD no frequency). This sequence change replaces arginine, which is basic and polar, with cysteine, which is neutral and slightly polar, at codon 2453 of the DYNC1H1 protein (p.Arg2453Cys). This variant has not been reported in the literature in individuals affected with DYNC1H1-related conditions. In summary, the available evidence is currently insufficient to determine the role of this variant in disease. Therefore, it has been classified as a Variant of Uncertain Significance. Advanced modeling of protein sequence and biophysical properties (such as structural, functional, and spatial information, amino acid conservation, physicochemical variation, residue mobility, and thermodynamic stability) performed at Invitae indicates that this missense variant is expected to disrupt DYNC1H1 protein function.

NM_001376.5(DYNC1H1):c.7357C>T (p.Arg2453Cys)

Gene: DYNC1H1 (dynein cytoplasmic 1 heavy chain 1; plus strand). Cytogenetic location: 14q32.31.
Variant type: single nucleotide variant.
Coding change: c.7357C>T on transcript NM_001376.5 (MANE Select); coding-DNA position 7357, C replaced by T.
Protein change: p.Arg2453Cys; replaces arginine 2453 with cysteine.
Molecular consequence: missense variant.
Genome position (GRCh38, 1-based): chr14:102,015,970, C>T. VCF-style: chr14-102015970-C-T. GRCh37 (hg19) VCF-style: chr14-102482307-C-T.
Other names: short protein forms R2453C.
Identifiers: ClinVar variation 2984558 (VCV002984558.3), dbSNP rs2503768155, ClinGen allele CA391001947.